The following is an entry in ClinVar:

ClinVar aggregate classification (germline): Pathogenic/Likely pathogenic. Review status: criteria provided, multiple submitters, no conflicts (2 of 4 stars). 3 submissions from 2 submitters: Pathogenic (1); Likely pathogenic (2). Last evaluated 2026-02-01.

Conditions:
Joubert syndrome. Also called: JOUBERT-BOLTSHAUSER SYNDROME; Familial aplasia of the vermis. Identifiers: Orphanet 475, MedGen C5979921, MONDO:0018772.
Meckel-Gruber syndrome. Also called: Dysencephalia splachnocystica; DYSENCEPHALIA SPLANCHNOCYSTICA; GRUBER SYNDROME. Identifiers: Orphanet 564, MedGen C0265215, MONDO:0018921.

Submissions (3):

CeGaT Center for Human Genetics Tuebingen
Classification: Likely pathogenic. Last evaluated: 2026-02-01. Review status: criteria provided, single submitter. Criteria: CeGaT Center For Human Genetics Tuebingen Variant Classification Criteria Version 2. Collection method: clinical testing. Allele origin: germline. Affected: yes. Observed: 1 variant allele.
Comment: B9D2: PVS1:Strong, PM2, PM3

Labcorp Genetics (formerly Invitae), Labcorp
Classification: Pathogenic for Joubert syndrome; Meckel-Gruber syndrome. Last evaluated: 2023-07-14. Review status: criteria provided, single submitter. Criteria: Invitae Variant Classification Sherloc (09022015). Collection method: clinical testing. Allele origin: germline.
Comment: This variant disrupts a region of the B9D2 protein in which other variant(s) (p.Ser101Arg) have been determined to be pathogenic (PMID: 21763481). This suggests that this is a clinically significant region of the protein, and that variants that disrupt it are likely to be disease-causing. For these reasons, this variant has been classified as Pathogenic. ClinVar contains an entry for this variant (Variation ID: 188273). This variant has not been reported in the literature in individuals affected with B9D2-related conditions. This variant is not present in population databases (gnomAD no frequency). This sequence change creates a premature translational stop signal (p.Asp53Leufs*47) in the B9D2 gene. While this is not anticipated to result in nonsense mediated decay, it is expected to disrupt the last 123 amino acid(s) of the B9D2 protein.

Labcorp Genetics (formerly Invitae), Labcorp
Classification: Likely pathogenic for Familial aplasia of the vermis. Last evaluated: 2014-12-03. Review status: criteria provided, single submitter. Criteria: Invitae Variant Classification Sherloc (09022015). Collection method: clinical testing. Allele origin: germline.
Comment: This sequence change results in a premature translational stop signal in the last exon of the B9D2 mRNA at codon 100 (p.Asp53Leufs*47). While this is not anticipated to result in nonsense mediated decay, it is expected to create a truncated B9d2 protein. This sequence change has not been published in the literature and is not present in population databases. Two related individuals with Meckel syndrome were found to be homozygous for the missense mutation, p.Ser101Arg (PMID: 21763481). Functional studies of the p.Ser101Arg change suggest that this missense result in abrogated B9d2 binding with Mks1, likely due to the disruption of the B9 domain. This p.Asp53Leufs*47 change is expected to result in a premature termination codon one position prior to the reported p.Ser101Arg. Therefore it is likely to also disrupt the B9 domain. For these reasons, this sequence change has been classified as Likely Pathogenic.

Literature cited by the submitters: PubMed 21763481 (cited by Labcorp Genetics (formerly Invitae), Labcorp).

NM_030578.4(B9D2):c.156_163del (p.Asp53fs)

Gene: B9D2 (B9 domain containing 2; minus strand). Cytogenetic location: 19q13.2.
Variant type: Deletion.
Coding change: c.156_163del on transcript NM_030578.4 (MANE Select); coding-DNA positions 156 to 163, 8 bases deleted (GGACATGG; older notation c.156_163delGGACATGG).
Protein change: p.Asp53fs; shifts the reading frame from aspartic acid 53.
Molecular consequence: frameshift variant.
Genome position (GRCh38, 1-based): chr19:41,357,948-41,357,955, CCATGTCC deleted on the plus strand (GGACATGG on the coding strand, the reverse complement: B9D2 is on the minus strand); deleting any 8 consecutive bases within chr19:41,357,948-41,357,957 gives the same sequence; the c. name uses the placement nearest the transcript's 3' end. VCF-style (leftmost placement, unchanged base first): chr19-41357947-GCCATGTCC-G. GRCh37 (hg19) VCF-style: chr19-41863852-GCCATGTCC-G.
Other names: short protein forms D53fs.
Identifiers: ClinVar variation 188273 (VCV000188273.13), dbSNP rs786204189, ClinGen allele CA334492.